The following is an entry in ClinVar:

NM_000834.5(GRIN2B):c.2010+5G>A

Gene: GRIN2B (glutamate ionotropic receptor NMDA type subunit 2B; minus strand). Cytogenetic location: 12p13.1.
Variant type: single nucleotide variant.
Coding change: c.2010+5G>A on transcript NM_000834.5 (MANE Select); 5 bases into the intron after coding-DNA position 2010, G replaced by A.
Molecular consequence: intron variant.
Genome position (GRCh38, 1-based): chr12:13,608,598, C>T on the plus strand (G>A on the coding strand, the complement: GRIN2B is on the minus strand). VCF-style: chr12-13608598-C-T. GRCh37 (hg19) VCF-style: chr12-13761532-C-T.
Identifiers: ClinVar variation 2157139 (VCV002157139.4), dbSNP rs1591638669, ClinGen allele CA2017447606.

ClinVar aggregate classification (germline): Uncertain significance (1 of 4 stars; one submission).

Conditions:
Developmental and epileptic encephalopathy, 27 (DEE27). Also called: GRIN2B-Related Neurodevelopmental Disorder; Epileptic encephalopathy, early infantile, 27. Identifiers: Orphanet 3451, MedGen C4015316, MONDO:0014505, OMIM 616139.
Intellectual developmental disorder, autosomal dominant 6, with or without seizures. Also called: Intellectual disability, autosomal dominant 6; GRIN2B-related developmental delay, intellectual disability and autism spectrum disorder. Identifiers: Orphanet 589547, MedGen C3151411, MONDO:0013509, OMIM 613970.

Allele frequency attached by ClinVar (database versions not stated): gnomAD exomes below 0.00001.
gnomAD v4.1: 3 of 1,601,026 alleles (0.00019%); highest among the groups gnomAD compares: Non-Finnish European, 0.00026%; no homozygotes.

Submission:

Labcorp Genetics (formerly Invitae), Labcorp
Classification: Uncertain significance for Developmental and epileptic encephalopathy, 27; Intellectual developmental disorder, autosomal dominant 6, with or without seizures. Last evaluated: 2023-07-28. Review status: criteria provided, single submitter. Criteria: Invitae Variant Classification Sherloc (09022015). Collection method: clinical testing. Allele origin: germline.
Comment: This sequence change falls in intron 9 of the GRIN2B gene. It does not directly change the encoded amino acid sequence of the GRIN2B protein. It affects a nucleotide within the consensus splice site. This variant is not present in population databases (gnomAD no frequency). This variant has not been reported in the literature in individuals affected with GRIN2B-related conditions. ClinVar contains an entry for this variant (Variation ID: 2157139). Variants that disrupt the consensus splice site are a relatively common cause of aberrant splicing (PMID: 17576681, 9536098). Algorithms developed to predict the effect of sequence changes on RNA splicing suggest that this variant is not likely to affect RNA splicing. In summary, the available evidence is currently insufficient to determine the role of this variant in disease. Therefore, it has been classified as a Variant of Uncertain Significance.

Literature cited by the submitters: PubMed 17576681; PubMed 9536098.